The following is an entry in ClinVar:

ClinVar aggregate classification (germline): Likely benign (1 of 4 stars; one submission).

Allele frequency attached by ClinVar (database versions not stated): TOPMed below 0.00001; gnomAD 0.00001; gnomAD exomes 0.00001.
gnomAD v4.1: 14 of 1,204,798 alleles (0.0012%); highest among the groups gnomAD compares: Non-Finnish European, 0.0015%; no homozygotes.

Submission:

CeGaT Center for Human Genetics Tuebingen
Classification: Likely benign. Last evaluated: 2022-03-01. Review status: criteria provided, single submitter. Criteria: CeGaT Center For Human Genetics Tuebingen Variant Classification Criteria Version 2. Collection method: clinical testing. Allele origin: germline. Affected: yes. Observed: 1 variant allele.
Comment: POLA1: BP4, BP7

NM_001330360.2(POLA1):c.1680A>G (p.Gln560=)

Gene: POLA1 (DNA polymerase alpha 1, catalytic subunit; plus strand). Cytogenetic location: Xp22.11.
Variant type: single nucleotide variant.
Coding change: c.1680A>G on transcript NM_001330360.2 (MANE Select); coding-DNA position 1680, A replaced by G.
Protein change: p.Gln560=; no amino-acid change (glutamine 560 retained).
Molecular consequence: synonymous variant. On other transcripts: non-coding transcript variant (2).
Genome position (GRCh38, 1-based): chrX:24,727,930, A>G. VCF-style: chrX-24727930-A-G. GRCh37 (hg19) VCF-style: chrX-24746047-A-G.
Other names: c.1605A>G, p.Gln535= (NM_001378303.1); c.1662A>G, p.Gln554= (NM_016937.4).
Identifiers: ClinVar variation 1676149 (VCV001676149.33), dbSNP rs942474936, ClinGen allele CA326898558.